The following is an entry in ClinVar:

ClinVar aggregate classification (germline): Uncertain significance (1 of 4 stars; one submission).

Conditions:
Primary open angle glaucoma (POAG). Also called: OPTN-related open angle glaucoma. Identifiers: MedGen C0339573, MONDO:0100553, OMIM 137760.
Glaucoma 1, open angle, E. Identifiers: MedGen C1842026, MONDO:0007665.
Amyotrophic lateral sclerosis type 12 (ALS12). Also called: AMYOTROPHIC LATERAL SCLEROSIS 12 WITH OR WITHOUT FRONTOTEMPORAL DEMENTIA. Identifiers: Orphanet 803, MedGen C3150692, MONDO:0013264, OMIM 613435.

gnomAD v4.1: 5 of 1,613,946 alleles (0.00031%); highest among the groups gnomAD compares: Admixed American, 0.0033%; no homozygotes.

Submission:

Labcorp Genetics (formerly Invitae), Labcorp
Classification: Uncertain significance for Primary open angle glaucoma; Glaucoma 1, open angle, E; Amyotrophic lateral sclerosis type 12. Last evaluated: 2024-03-10. Review status: criteria provided, single submitter. Criteria: Invitae Variant Classification Sherloc (09022015). Collection method: clinical testing. Allele origin: germline.
Comment: This sequence change replaces alanine, which is neutral and non-polar, with valine, which is neutral and non-polar, at codon 523 of the OPTN protein (p.Ala523Val). This variant is present in population databases (no rsID available, gnomAD 0.006%). This variant has not been reported in the literature in individuals affected with OPTN-related conditions. Advanced modeling of protein sequence and biophysical properties (such as structural, functional, and spatial information, amino acid conservation, physicochemical variation, residue mobility, and thermodynamic stability) performed at Invitae indicates that this missense variant is not expected to disrupt OPTN protein function with a negative predictive value of 80%. In summary, the available evidence is currently insufficient to determine the role of this variant in disease. Therefore, it has been classified as a Variant of Uncertain Significance.

NM_001008212.2(OPTN):c.1568C>T (p.Ala523Val)

Gene: OPTN (optineurin; plus strand). Cytogenetic location: 10p13.
Variant type: single nucleotide variant.
Coding change: c.1568C>T on transcript NM_001008212.2 (MANE Select); coding-DNA position 1568, C replaced by T.
Protein change: p.Ala523Val; replaces alanine 523 with valine.
Molecular consequence: missense variant.
Genome position (GRCh38, 1-based): chr10:13,133,537, C>T. VCF-style: chr10-13133537-C-T. GRCh37 (hg19) VCF-style: chr10-13175537-C-T.
Other names: c.1568C>T, p.Ala523Val (NM_001008211.1, NM_001008213.1, NM_021980.4); short protein forms A523V.
Identifiers: ClinVar variation 3748175 (VCV003748175.2).